The following is an entry in ClinVar:

ClinVar aggregate classification (germline): Uncertain significance (1 of 4 stars; one submission).

Conditions:
Aicardi-Goutieres syndrome 2. Identifiers: Orphanet 51, MedGen C3489724, MONDO:0012429, OMIM 610181.

Submission:

Labcorp Genetics (formerly Invitae), Labcorp
Classification: Uncertain significance for Aicardi-Goutieres syndrome 2. Last evaluated: 2021-11-21. Review status: criteria provided, single submitter. Criteria: Invitae Variant Classification Sherloc (09022015). Collection method: clinical testing. Allele origin: germline.
Comment: This sequence change replaces alanine, which is neutral and non-polar, with threonine, which is neutral and polar, at codon 193 of the RNASEH2B protein (p.Ala193Thr). This variant is not present in population databases (gnomAD no frequency). This variant has not been reported in the literature in individuals affected with RNASEH2B-related conditions. Algorithms developed to predict the effect of missense changes on protein structure and function output the following: SIFT: "Tolerated"; PolyPhen-2: "Benign"; Align-GVGD: "Class C0". The threonine amino acid residue is found in multiple mammalian species, which suggests that this missense change does not adversely affect protein function. In summary, the available evidence is currently insufficient to determine the role of this variant in disease. Therefore, it has been classified as a Variant of Uncertain Significance.

NM_024570.4(RNASEH2B):c.577G>A (p.Ala193Thr)

Gene: RNASEH2B (ribonuclease H2 subunit B; plus strand). Cytogenetic location: 13q14.3.
Variant type: single nucleotide variant.
Coding change: c.577G>A on transcript NM_024570.4 (MANE Select); coding-DNA position 577, G replaced by A.
Protein change: p.Ala193Thr; replaces alanine 193 with threonine.
Molecular consequence: missense variant.
Genome position (GRCh38, 1-based): chr13:50,945,493, G>A. VCF-style: chr13-50945493-G-A. GRCh37 (hg19) VCF-style: chr13-51519629-G-A.
Other names: c.577G>A, p.Ala193Thr (NM_001142279.2); short protein forms A193T.
Identifiers: ClinVar variation 1490220 (VCV001490220.6), dbSNP rs2137990955, ClinGen allele CA388259673.
Genomic context (GRCh38, chr13:50,945,493, plus strand): 5'-CAAACTGTGGCAGCATTAAAAACCAATAATGTGAATGTCAGTTCCCGGGTACAGTCAACT[G>A]CATTTTTCTCTGGTGACCAAGCTTCCACTGACAAGGAAGGTAAGTAAAGCATTTTATCAG-3'
Protein context (NP_078846.2, residues 183-203): VNVSSRVQST[Ala193Thr]FFSGDQASTD